The following is an entry in ClinVar:

NM_000321.3(RB1):c.1226T>G (p.Val409Gly)

Gene: RB1 (RB transcriptional corepressor 1; plus strand). Cytogenetic location: 13q14.2.
Variant type: single nucleotide variant.
Coding change: c.1226T>G on transcript NM_000321.3 (MANE Select); coding-DNA position 1226, T replaced by G.
Protein change: p.Val409Gly; replaces valine 409 with glycine.
Molecular consequence: missense variant.
Genome position (GRCh38, 1-based): chr13:48,376,928, T>G. VCF-style: chr13-48376928-T-G. GRCh37 (hg19) VCF-style: chr13-48951064-T-G.
Other names: c.1226T>G, p.Val409Gly (NM_001407165.1, NM_001407166.1); short protein forms V409G.
Identifiers: ClinVar variation 3706876 (VCV003706876.3).

ClinVar aggregate classification (germline): Uncertain significance. Review status: criteria provided, multiple submitters, no conflicts (2 of 4 stars). 2 submissions from 2 submitters: Uncertain significance (2). Last evaluated 2026-07-02.

Conditions:
Retinoblastoma (RB1). Also called: RETINOBLASTOMA, SOMATIC. Identifiers: Orphanet 790, MedGen C0035335, MeSH D012175, MONDO:0008380, OMIM 180200, HP:0009919. Disease mechanism: loss of function. Inheritance: Both sporadic and heritable forms are tested..
Hereditary cancer-predisposing syndrome. Also called: Tumor predisposition; Hereditary neoplastic syndrome; Hereditary Cancer Syndrome; Neoplastic Syndromes, Hereditary. Identifiers: Orphanet 140162, MedGen C0027672, MeSH D009386, MONDO:0015356.

Submissions (2):

Ambry Genetics
Classification: Uncertain significance for Hereditary cancer-predisposing syndrome. Last evaluated: 2026-07-02. Review status: criteria provided, single submitter. Criteria: Ambry Variant Classification Scheme 2023. Collection method: clinical testing. Allele origin: germline.
Comment: The p.V409G variant (also known as c.1226T>G), located in coding exon 13 of the RB1 gene, results from a T to G substitution at nucleotide position 1226. The valine at codon 409 is replaced by glycine, an amino acid with dissimilar properties. This amino acid position is conserved. In addition, this alteration is predicted to be deleterious by in silico analysis. Based on the available evidence, the clinical significance of this variant remains unclear.

Labcorp Genetics (formerly Invitae), Labcorp
Classification: Uncertain significance for Retinoblastoma. Last evaluated: 2024-08-31. Review status: criteria provided, single submitter. Criteria: Invitae Variant Classification Sherloc (09022015). Collection method: clinical testing. Allele origin: germline.
Comment: This sequence change replaces valine, which is neutral and non-polar, with glycine, which is neutral and non-polar, at codon 409 of the RB1 protein (p.Val409Gly). This variant is not present in population databases (gnomAD no frequency). This variant has not been reported in the literature in individuals affected with RB1-related conditions. Invitae Evidence Modeling of protein sequence and biophysical properties (such as structural, functional, and spatial information, amino acid conservation, physicochemical variation, residue mobility, and thermodynamic stability) indicates that this missense variant is not expected to disrupt RB1 protein function with a negative predictive value of 80%. In summary, the available evidence is currently insufficient to determine the role of this variant in disease. Therefore, it has been classified as a Variant of Uncertain Significance.